The following is an entry in ClinVar:

NM_002637.4(PHKA1):c.295G>A (p.Val99Ile)

Genes: PHKA1 (phosphorylase kinase regulatory subunit alpha 1; minus strand), PHKA1-AS1 (PHKA1 antisense RNA 1; plus strand). Cytogenetic location: Xq13.1.
Variant type: single nucleotide variant.
Coding change: c.295G>A on transcript NM_002637.4 (MANE Select); coding-DNA position 295, G replaced by A.
Protein change: p.Val99Ile; replaces valine 99 with isoleucine.
Molecular consequence: missense variant.
Genome position (GRCh38, 1-based): chrX:72,695,867, C>T on the plus strand (G>A on the coding strand, the complement: PHKA1 is on the minus strand). VCF-style: chrX-72695867-C-T. GRCh37 (hg19) VCF-style: chrX-71915717-C-T.
Other names: p.Val99Ile; c.295G>A, p.Val99Ile (NM_001122670.2, NM_001172436.2, NM_001431068.1); short protein forms V99I.
Identifiers: ClinVar variation 3380749 (VCV003380749.1).

ClinVar aggregate classification (germline): Uncertain significance (1 of 4 stars; one submission).

Submission:

Mayo Clinic Laboratories, Mayo Clinic
Classification: Uncertain significance. Last evaluated: 2024-02-01. Review status: criteria provided, single submitter. Criteria: ACMG Guidelines, 2015. Collection method: clinical testing. Allele origin: germline. Observed: 1 variant allele.
Comment: PM2